The following is an entry in ClinVar:

NM_000302.4(PLOD1):c.2139C>T (p.Thr713=)

Gene: PLOD1 (procollagen-lysine,2-oxoglutarate 5-dioxygenase 1; plus strand). Cytogenetic location: 1p36.22.
Variant type: single nucleotide variant.
Coding change: c.2139C>T on transcript NM_000302.4 (MANE Select); coding-DNA position 2139, C replaced by T.
Protein change: p.Thr713=; no amino-acid change (threonine 713 retained).
Molecular consequence: synonymous variant.
Genome position (GRCh38, 1-based): chr1:11,974,763, C>T. VCF-style: chr1-11974763-C-T. GRCh37 (hg19) VCF-style: chr1-12034820-C-T.
Other names: c.2280C>T, p.Thr760= (NM_001316320.2).
Identifiers: ClinVar variation 2972257 (VCV002972257.4), dbSNP rs779651224, ClinGen allele CA416108462.

ClinVar aggregate classification (germline): Likely benign. Review status: criteria provided, multiple submitters, no conflicts (2 of 4 stars). 2 submissions from 2 submitters: Likely benign (2). Last evaluated 2026-09-01.

Conditions:
Ehlers-Danlos syndrome, kyphoscoliotic type 1 (EDSKSCL1). Also called: EHLERS-DANLOS SYNDROME, TYPE VIA; PLOD1-Related Kyphoscoliotic Ehlers-Danlos Syndrome; Ehlers-Danlos syndrome, hydroxylysine-deficient; EHLERS-DANLOS SYNDROME, OCULAR-SCOLIOTIC TYPE. Identifiers: Orphanet 1900, MedGen C0268342, MONDO:0016002, OMIM 225400. Disease mechanism: loss of function.

Allele frequency attached by ClinVar (database versions not stated): TOPMed 0.00001.

Submissions (2):

CeGaT Center for Human Genetics Tuebingen
Classification: Likely benign. Last evaluated: 2026-09-01. Review status: criteria provided, single submitter. Criteria: CeGaT Center For Human Genetics Tuebingen Variant Classification Criteria Version 2. Collection method: clinical testing. Allele origin: germline. Affected: yes. Observed: 1 variant allele.
Comment: PLOD1: BP4, BP7

Labcorp Genetics (formerly Invitae), Labcorp
Classification: Likely benign for Ehlers-Danlos syndrome, kyphoscoliotic type 1. Last evaluated: 2022-11-28. Review status: criteria provided, single submitter. Criteria: Invitae Variant Classification Sherloc (09022015). Collection method: clinical testing. Allele origin: germline.